The following is an entry in ClinVar:

ClinVar aggregate classification (germline): Pathogenic (1 of 4 stars; one submission).

Conditions:
Charlevoix-Saguenay spastic ataxia (SACS). Also called: SPASTIC ATAXIA 6, AUTOSOMAL RECESSIVE; AUTOSOMAL RECESSIVE SPASTIC ATAXIA OF CHARLEVOIX-SAGUENAY; Spastic ataxia of Charlevoix-Saguenay. Identifiers: Orphanet 98, MedGen C1849140, MONDO:0010041, OMIM 270550.

Submission:

Myriad Genetics, Inc.
Classification: Pathogenic for Charlevoix-Saguenay spastic ataxia. Last evaluated: 2025-08-01. Review status: criteria provided, single submitter. Criteria: Myriad Autosomal Dominant, Autosomal Recessive and X-Linked Classification Criteria (2023). Collection method: clinical testing. Allele origin: unknown.
Comment: NM_014363.4(SACS):c.13022_13023delATinsG(N4341Sfs*22) is a frameshift variant classified as pathogenic in the context of autosomal recessive spastic ataxia of Charlevoix-Saguenay. N4341Sfs*22 has not been observed in cases with relevant disease. Relevant functional assessments of this variant are not available in the literature. N4341Sfs*22 has not been observed in referenced population frequency databases. In summary, NM_014363.4(SACS):c.13022_13023delATinsG(N4341Sfs*22) is a frameshift variant in a gene where loss of function is a known mechanism of disease and is predicted to disrupt protein function. Please note: this variant was assessed in the context of healthy population screening.

NM_014363.6(SACS):c.13022_13023delinsG (p.Asn4341fs)

Gene: SACS (sacsin molecular chaperone; minus strand). Cytogenetic location: 13q12.12.
Variant type: Indel.
Coding change: c.13022_13023delinsG on transcript NM_014363.6 (MANE Select); coding-DNA positions 13022 to 13023, AT replaced by G.
Protein change: p.Asn4341fs; shifts the reading frame from asparagine 4341.
Molecular consequence: frameshift variant.
Genome position (GRCh38, 1-based): chr13:23,330,853-23,330,854, AT replaced by C on the plus strand (AT replaced by G on the coding strand, the reverse complement: SACS is on the minus strand). VCF-style: chr13-23330853-AT-C. GRCh37 (hg19) VCF-style: chr13-23904992-AT-C.
Other names: c.12581_12582delinsG, p.Asn4194fs (NM_001278055.2); c.13049_13050delinsG, p.Asn4350fs (NM_001437336.1); short protein forms N4341fs, N4350fs, N4194fs.
Identifiers: ClinVar variation 5004100 (VCV005004100.1).